The following is an entry in ClinVar:

NM_022765.4(MICAL1):c.3125A>G (p.Asn1042Ser)

Gene: MICAL1 (microtubule associated monooxygenase, calponin and LIM domain containing 1; minus strand). Cytogenetic location: 6q21.
Variant type: single nucleotide variant.
Coding change: c.3125A>G on transcript NM_022765.4 (MANE Select); coding-DNA position 3125, A replaced by G.
Protein change: p.Asn1042Ser; replaces asparagine 1042 with serine.
Molecular consequence: missense variant.
Genome position (GRCh38, 1-based): chr6:109,444,270, T>C on the plus strand (A>G on the coding strand, the complement: MICAL1 is on the minus strand). VCF-style: chr6-109444270-T-C. GRCh37 (hg19) VCF-style: chr6-109765473-T-C.
Other names: c.2867A>G, p.Asn956Ser (NM_001159291.2); c.3182A>G, p.Asn1061Ser (NM_001286613.2); short protein forms N1061S, N1042S, N956S.
Identifiers: ClinVar variation 2130429 (VCV002130429.4), dbSNP rs1775104445, ClinGen allele CA365218987.
Genomic context (GRCh38, chr6:109,444,270, plus strand): 5'-CCCAAGGCCAGCTCGCTGAGCCTGCGCTCCTCCTGGAAGCGGATGAGGGCATCTCTCTGG[T>C]TGACCAAATCCACCAGCTTCCTCAGGACCTGGTCCTCAGCCTGCCGATCAGCAGCTGTCT-3'
Protein context (NP_073602.3, residues 1032-1052): QVLRKLVDLV[Asn1042Ser]QRDALIRFQE

ClinVar aggregate classification (germline): Uncertain significance (1 of 4 stars; one submission).

Allele frequency attached by ClinVar (database versions not stated): gnomAD 0.00001.
gnomAD v4.1: 1 of 1,613,484 alleles (0.000062%); highest among the groups gnomAD compares: Non-Finnish European, 0.000085%; no homozygotes.

Submission:

Labcorp Genetics (formerly Invitae), Labcorp
Classification: Uncertain significance. Last evaluated: 2024-10-28. Review status: criteria provided, single submitter. Criteria: Invitae Variant Classification Sherloc (09022015). Collection method: clinical testing. Allele origin: germline.
Comment: This sequence change replaces asparagine, which is neutral and polar, with serine, which is neutral and polar, at codon 1061 of the MICAL1 protein (p.Asn1061Ser). This variant is not present in population databases (gnomAD no frequency). This variant has not been reported in the literature in individuals affected with MICAL1-related conditions. ClinVar contains an entry for this variant (Variation ID: 2130429). An algorithm developed to predict the effect of missense changes on protein structure and function (PolyPhen-2) suggests that this variant is likely to be disruptive. In summary, the available evidence is currently insufficient to determine the role of this variant in disease. Therefore, it has been classified as a Variant of Uncertain Significance.